The following is an entry in ClinVar:

NM_001166108.2(PALLD):c.224T>C (p.Leu75Pro)

Gene: PALLD (palladin, cytoskeletal associated protein; plus strand). Cytogenetic location: 4q32.3.
Variant type: single nucleotide variant.
Coding change: c.224T>C on transcript NM_001166108.2 (MANE Select); coding-DNA position 224, T replaced by C.
Protein change: p.Leu75Pro; replaces leucine 75 with proline.
Molecular consequence: missense variant.
Genome position (GRCh38, 1-based): chr4:168,511,728, T>C. VCF-style: chr4-168511728-T-C. GRCh37 (hg19) VCF-style: chr4-169432879-T-C.
Other names: c.224T>C, p.Leu75Pro (NM_016081.4); c.224T>C (NM_016081.3); short protein forms L75P.
Identifiers: ClinVar variation 2447276 (VCV002447276.2), dbSNP rs753395522, ClinGen allele CA3135321.

ClinVar aggregate classification (germline): Uncertain significance (1 of 4 stars; one submission).

Allele frequency attached by ClinVar (database versions not stated): ExAC 0.00001; gnomAD 0.00001; gnomAD exomes 0.00001 and 0.00002; TOPMed 0.00003.
gnomAD v4.1: 18 of 1,614,080 alleles (0.0011%); highest among the groups gnomAD compares: Admixed American, 0.0017%; no homozygotes.

Submission:

Ambry Genetics
Classification: Uncertain significance. Last evaluated: 2023-01-22. Review status: criteria provided, single submitter. Criteria: Ambry Variant Classification Scheme 2023. Collection method: clinical testing. Allele origin: germline.
Comment: The p.L75P variant (also known as c.224T>C), located in coding exon 1 of the PALLD gene, results from a T to C substitution at nucleotide position 224. The leucine at codon 75 is replaced by proline, an amino acid with similar properties. This amino acid position is conserved. In addition, this alteration is predicted to be tolerated by in silico analysis. Since supporting evidence is limited at this time, the clinical significance of this alteration remains unclear.